The following is an entry in ClinVar:

ClinVar aggregate classification (germline): Likely pathogenic (1 of 4 stars; one submission).

Conditions:
Capillary malformation-arteriovenous malformation syndrome. Also called: Capillary malformation-arteriovenous malformation. Identifiers: Orphanet 137667, MedGen C1842180, MONDO:0012016.

Submission:

Labcorp Genetics (formerly Invitae), Labcorp
Classification: Likely pathogenic for Capillary malformation-arteriovenous malformation syndrome. Last evaluated: 2021-04-22. Review status: criteria provided, single submitter. Criteria: Invitae Variant Classification Sherloc (09022015). Collection method: clinical testing. Allele origin: germline.
Comment: In summary, the currently available evidence indicates that the variant is pathogenic, but additional data are needed to prove that conclusively. Therefore, this variant has been classified as Likely Pathogenic. This variant has not been reported in the literature in individuals with RASA1-related conditions. This variant is not present in population databases (ExAC no frequency). This sequence change affects an acceptor splice site in intron 15 of the RASA1 gene. It is expected to disrupt RNA splicing. Variants that disrupt the donor or acceptor splice site typically lead to a loss of protein function (PMID: 16199547), and loss-of-function variants in RASA1 are known to be pathogenic (PMID: 24038909).

Literature cited by the submitters: PubMed 16199547; PubMed 24038909.

NM_002890.3(RASA1):c.2012-1G>A

Genes: CCNH (cyclin H; minus strand), RASA1 (RAS p21 protein activator 1; plus strand). Cytogenetic location: 5q14.3.
Variant type: single nucleotide variant.
Coding change: c.2012-1G>A on transcript NM_002890.3 (MANE Select); the canonical splice acceptor site of the intron before coding-DNA position 2012, G replaced by A.
Molecular consequence: splice acceptor variant. On other transcripts: intron variant (1).
Genome position (GRCh38, 1-based): chr5:87,376,392, G>A. VCF-style: chr5-87376392-G-A. GRCh37 (hg19) VCF-style: chr5-86672209-G-A.
Other names: c.1481-1G>A (NM_022650.3); c.933+18652C>T (NM_001364075.2).
Identifiers: ClinVar variation 1486980 (VCV001486980.8), dbSNP rs2112490726, ClinGen allele CA360377886.
Genomic context (GRCh38, chr5:87,376,392, plus strand): 5'-CTTGCATGACTAATTATCGTGTTCTCTTTTTAAACAATAATTGCTTGTTTTTCTTCCCAA[G>A]TATTTATGCGCTGCCAGTTGAGCCGATTACAGAAAGGGCATGCCACAGATGAATGGTTTC-3'